The following is an entry in ClinVar:

NM_001367721.1(CASK):c.1302A>G (p.Gln434=)

Gene: CASK (calcium/calmodulin dependent serine protein kinase; minus strand). Cytogenetic location: Xp11.4.
Variant type: single nucleotide variant.
Coding change: c.1302A>G on transcript NM_001367721.1 (MANE Select); coding-DNA position 1302, A replaced by G.
Protein change: p.Gln434=; no amino-acid change (glutamine 434 retained).
Molecular consequence: synonymous variant.
Genome position (GRCh38, 1-based): chrX:41,586,919, T>C on the plus strand (A>G on the coding strand, the complement: CASK is on the minus strand). VCF-style: chrX-41586919-T-C. GRCh37 (hg19) VCF-style: chrX-41446172-T-C.
Other names: c.1302A>G, p.Gln434= (NM_001126054.3, NM_003688.4); c.1284A>G, p.Gln428= (NM_001126055.3, NM_001410745.1).
Identifiers: ClinVar variation 512688 (VCV000512688.9), dbSNP rs764629370, ClinGen allele CA10390228.
Genomic context (GRCh38, chrX:41,586,919, plus strand): 5'-CTTTTGAAAGTGAGGTTTCAGTTCTATGGAAGTTTAATTATTACTTACCATGAAATGAGG[T>C]TGTGTTAAAATACGCTTTAGTTCCTTTGCGTCGTTATTCTCAGGGTAACATGAAATTTCT-3'
Protein context (NP_001354650.1, residues 424-444): DAKELKRILT[Gln434=]PHFMALLQTH

ClinVar aggregate classification (germline): Likely benign. Review status: criteria provided, multiple submitters, no conflicts (2 of 4 stars). 2 submissions from 2 submitters: Likely benign (2). Last evaluated 2025-04-28.

Conditions:
Intellectual disability, CASK-related, X-linked. Identifiers: MedGen CN043158.

Allele frequency attached by ClinVar (database versions not stated): gnomAD exomes below 0.00001 and 0.00002; ExAC 0.00001; TOPMed 0.00001.
gnomAD v4.1: 3 of 1,161,099 alleles (0.00026%); highest among the groups gnomAD compares: Admixed American, 0.0065%; no homozygotes.

Submissions (2):

Labcorp Genetics (formerly Invitae), Labcorp
Classification: Likely benign for Intellectual disability, CASK-related, X-linked. Last evaluated: 2025-04-28. Review status: criteria provided, single submitter. Criteria: Invitae Variant Classification Sherloc (09022015). Collection method: clinical testing. Allele origin: germline.

GeneDx
Classification: Likely benign. Last evaluated: 2017-10-11. Review status: criteria provided, single submitter. Criteria: GeneDx Variant Classification (06012015). Collection method: clinical testing. Allele origin: germline. Affected: yes.
Comment: This variant is considered likely benign or benign based on one or more of the following criteria: it is a conservative change, it occurs at a poorly conserved position in the protein, it is predicted to be benign by multiple in silico algorithms, and/or has population frequency not consistent with disease.